The following is an entry in ClinVar:

ClinVar aggregate classification (germline): Benign/Likely benign. Review status: criteria provided, multiple submitters, no conflicts (2 of 4 stars). 5 submissions from 5 submitters: Benign (4); Likely benign (1). Last evaluated 2026-02-04.

Conditions:
Autoimmune interstitial lung disease-arthritis syndrome. Also called: Autoinflammation and autoimmunity, systemic, with immune dysregulation. Identifiers: Orphanet 444092, MedGen C5975714, MONDO:0014629.

Allele frequency attached by ClinVar (database versions not stated): TOPMed 0.45217; 1000 Genomes Project 0.45308; ESP Exome Variant Server 0.45310; gnomAD 0.45327 and 0.45769; 1000 Genomes Project 30x 0.45487; gnomAD exomes 0.49086; ExAC 0.49264.

Submissions (5):

Labcorp Genetics (formerly Invitae), Labcorp
Classification: Benign for Autoimmune interstitial lung disease-arthritis syndrome. Last evaluated: 2026-02-04. Review status: criteria provided, single submitter. Criteria: Invitae Variant Classification Sherloc (09022015). Collection method: clinical testing. Allele origin: germline.

Women's Health and Genetics/Laboratory Corporation of America, LabCorp
Classification: Benign. Last evaluated: 2026-01-21. Review status: criteria provided, single submitter. Criteria: LabCorp Variant Classification Summary - May 2015. Collection method: clinical testing. Allele origin: germline.

Blueprint Genetics
Classification: Likely benign. Last evaluated: 2024-11-26. Review status: criteria provided, single submitter. Criteria: ACMG Guidelines, 2015. Collection method: clinical testing. Allele origin: germline.

Unidad de Genómica Garrahan, Hospital de Pediatría Garrahan
Classification: Benign. Last evaluated: 2023-11-12. Review status: criteria provided, single submitter. Criteria: ACMG Guidelines, 2015. Collection method: clinical testing. Allele origin: germline. Affected: no. Observed: 72 variant alleles.
Comment: This variant is classified as Benign based on local population frequency. This variant was detected in 75% of patients studied by a panel of primary immunodeficiencies. Number of patients: 72. Only high quality variants are reported.

Breakthrough Genomics
Classification: Benign. Review status: criteria provided, single submitter. Criteria: ACMG Guidelines, 2015. Collection method: not provided. Allele origin: germline. Inheritance: Autosomal dominant inheritance. Affected: yes.

NM_004371.4(COPA):c.2476+11A>G

Gene: COPA (coat protein complex I subunit alpha; minus strand). Cytogenetic location: 1q23.2.
Variant type: single nucleotide variant.
Coding change: c.2476+11A>G on transcript NM_004371.4 (MANE Select); 11 bases into the intron after coding-DNA position 2476, A replaced by G.
Molecular consequence: intron variant.
Genome position (GRCh38, 1-based): chr1:160,295,725, T>C on the plus strand (A>G on the coding strand, the complement: COPA is on the minus strand). VCF-style: chr1-160295725-T-C. GRCh37 (hg19) VCF-style: chr1-160265515-T-C.
Other names: c.2503+11A>G (NM_001098398.2).
Identifiers: ClinVar variation 1165020 (VCV001165020.13), dbSNP rs3789042, ClinGen allele CA1197885.